The following is an entry in ClinVar:

ClinVar aggregate classification (germline): Conflicting classifications of pathogenicity. Review status: criteria provided, conflicting classifications (1 of 4 stars). 2 submissions from 2 submitters: Uncertain significance (1); Likely benign (1). Last evaluated 2024-08-26.

Conditions:
Inborn genetic diseases. Identifiers: MedGen C0950123, MeSH D030342.

Allele frequency attached by ClinVar (database versions not stated): gnomAD 0.00010 and 0.00012; ESP Exome Variant Server 0.00017.
gnomAD v4.1: 175 of 1,613,092 alleles (0.011%); highest among the groups gnomAD compares: Non-Finnish European, 0.014%; no homozygotes.

Submissions (2):

Labcorp Genetics (formerly Invitae), Labcorp
Classification: Uncertain significance. Last evaluated: 2024-08-26. Review status: criteria provided, single submitter. Criteria: Invitae Variant Classification Sherloc (09022015). Collection method: clinical testing. Allele origin: germline.
Comment: This sequence change replaces glycine, which is neutral and non-polar, with arginine, which is basic and polar, at codon 625 of the DLL4 protein (p.Gly625Arg). This variant is present in population databases (rs374530606, gnomAD 0.02%). This variant has not been reported in the literature in individuals affected with DLL4-related conditions. ClinVar contains an entry for this variant (Variation ID: 1379510). Invitae Evidence Modeling of protein sequence and biophysical properties (such as structural, functional, and spatial information, amino acid conservation, physicochemical variation, residue mobility, and thermodynamic stability) indicates that this missense variant is not expected to disrupt DLL4 protein function with a negative predictive value of 80%. In summary, the available evidence is currently insufficient to determine the role of this variant in disease. Therefore, it has been classified as a Variant of Uncertain Significance.

Ambry Genetics
Classification: Likely benign for Inborn genetic diseases. Last evaluated: 2022-11-08. Review status: criteria provided, single submitter. Criteria: Ambry Variant Classification Scheme 2023. Collection method: clinical testing. Allele origin: germline.

NM_019074.4(DLL4):c.1873G>A (p.Gly625Arg)

Gene: DLL4 (delta like canonical Notch ligand 4; plus strand). Cytogenetic location: 15q15.1.
Variant type: single nucleotide variant.
Coding change: c.1873G>A on transcript NM_019074.4 (MANE Select); coding-DNA position 1873, G replaced by A.
Protein change: p.Gly625Arg; replaces glycine 625 with arginine.
Molecular consequence: missense variant.
Genome position (GRCh38, 1-based): chr15:40,936,860, G>A. VCF-style: chr15-40936860-G-A. GRCh37 (hg19) VCF-style: chr15-41229058-G-A.
Other names: c.1873G>A (NM_019074.3); short protein forms G625R.
Identifiers: ClinVar variation 1379510 (VCV001379510.7), dbSNP rs374530606, ClinGen allele CA7488010.
Genomic context (GRCh38, chr15:40,936,860, plus strand): 5'-TGTGGCAAACAGCAAAACCACACATTGGACTATAATCTGGCCCCAGGGCCCCTGGGGCGG[G>A]GGACCATGCCAGGAAAGTTTCCCCACAGTGACAAGAGCTTAGGAGAGAAGGCGCCACTGC-3'
Protein context (NP_061947.1, residues 615-635): YNLAPGPLGR[Gly625Arg]TMPGKFPHSD